The following is an entry in ClinVar:

ClinVar aggregate classification (germline): Uncertain significance. Review status: criteria provided, multiple submitters, no conflicts (2 of 4 stars). 2 submissions from 2 submitters: Uncertain significance (2). Last evaluated 2025-04-04.

gnomAD v4.1: 45 of 1,614,066 alleles (0.0028%); highest among the groups gnomAD compares: Admixed American, 0.073%; no homozygotes.

Submissions (2):

ARUP Laboratories, Molecular Genetics and Genomics, ARUP Laboratories
Classification: Uncertain significance. Last evaluated: 2025-04-04. Review status: criteria provided, single submitter. Criteria: ARUP Molecular Germline Variant Investigation Process 2024. Collection method: clinical testing. Allele origin: germline.
Comment: The UGT1A6 c.556C>T; p.Pro186Ser variant (rs763571226), to our knowledge, is not reported in the medical literature or gene specific databases. This variant is found predominantly in the Admixed American population with an allele frequency of 0.1% (38/35,438 alleles) in the Genome Aggregation Database (v2.1.1). Computational analyses are uncertain whether this variant is neutral or deleterious (REVEL: 0.359). Due to limited information, the clinical significance of this variant is uncertain at this time.

Ambry Genetics
Classification: Uncertain significance. Last evaluated: 2025-01-19. Review status: criteria provided, single submitter. Criteria: Ambry Variant Classification Scheme 2023. Collection method: clinical testing. Allele origin: germline.

NM_001072.4(UGT1A6):c.556C>T (p.Pro186Ser)

Genes: UGT1A (UDP glucuronosyltransferase family 1 member A complex locus; plus strand), UGT1A10 (UDP glucuronosyltransferase family 1 member A10; plus strand), UGT1A6 (UDP glucuronosyltransferase family 1 member A6; plus strand), UGT1A7 (UDP glucuronosyltransferase family 1 member A7; plus strand), UGT1A8 (UDP glucuronosyltransferase family 1 member A8; plus strand) and 1 more. Cytogenetic location: 2q37.1.
Variant type: single nucleotide variant.
Coding change: c.556C>T on transcript NM_001072.4 (MANE Select); coding-DNA position 556, C replaced by T.
Protein change: p.Pro186Ser; replaces proline 186 with serine.
Molecular consequence: missense variant. On other transcripts: intron variant (5).
Genome position (GRCh38, 1-based): chr2:233,693,560, C>T. VCF-style: chr2-233693560-C-T. GRCh37 (hg19) VCF-style: chr2-234602206-C-T.
Other names: c.-7-239C>T (NM_205862.3); c.856-73474C>T (NM_019076.5); c.855+56183C>T (NM_019075.4); c.855+20771C>T (NM_021027.3); c.855+10768C>T (NM_019077.3); short protein forms P186S.
Identifiers: ClinVar variation 3813305 (VCV003813305.2).